The following is an entry in ClinVar:

NM_153700.2(STRC):c.2734C>T (p.Arg912Cys)

Gene: STRC (stereocilin; minus strand). Cytogenetic location: 15q15.3.
Variant type: single nucleotide variant.
Coding change: c.2734C>T on transcript NM_153700.2 (MANE Select); coding-DNA position 2734, C replaced by T.
Protein change: p.Arg912Cys; replaces arginine 912 with cysteine.
Molecular consequence: missense variant.
Genome position (GRCh38, 1-based): chr15:43,612,840, G>A on the plus strand (C>T on the coding strand, the complement: STRC is on the minus strand). VCF-style: chr15-43612840-G-A. GRCh37 (hg19) VCF-style: chr15-43905038-G-A.
Other names: short protein forms R912C.
Identifiers: ClinVar variation 4086098 (VCV004086098.1).

ClinVar aggregate classification (germline): Uncertain significance (1 of 4 stars; one submission).

Conditions:
Monogenic hearing loss.

Submission:

Genetics Laboratory, Great Ormond Street Hospital NHS Foundation Trust, North Thames Genomic Laboratory Hub
Classification: Uncertain significance for Monogenic hearing loss. Last evaluated: 2025-07-22. Review status: criteria provided, single submitter. Criteria: ACGS Best Practice Guidelines for Variant Classification in Rare Disease 2024 v1.2. Collection method: clinical testing. Allele origin: germline. Affected: yes.
Comment: PM2_moderate, PM3_moderate